The following is an entry in ClinVar:

ClinVar aggregate classification (germline): Conflicting classifications of pathogenicity. Review status: criteria provided, conflicting classifications (1 of 4 stars). 7 submissions from 7 submitters: Uncertain significance (5); Likely benign (2). Last evaluated 2026-08-26.

Conditions:
Osteogenesis imperfecta, perinatal lethal (OI2). Also called: OI, TYPE II; OSTEOGENESIS IMPERFECTA CONGENITA; VROLIK TYPE OF OSTEOGENESIS IMPERFECTA; OSTEOGENESIS IMPERFECTA, TYPE II; Osteogenesis imperfecta, dominant perinatal lethal; Osteogenesis imperfecta type 2. Identifiers: Orphanet 216804, MedGen C0268358, MONDO:0008147, OMIM 166210.
Osteogenesis imperfecta type III (OI3). Also called: Progressively Deforming Osteogenesis Imperfecta; Osteogenesis imperfecta type 3; OI type 3; Osteogenesis imperfecta, progressively deforming with normal sclerae; OI type III. Identifiers: Orphanet 216812, Orphanet 666, MedGen C0268362, MONDO:0009804, OMIM 259420.
Osteoporosis. Identifiers: MedGen C0029456, MONDO:0005298, OMIM 166710, HP:0000939.
Ehlers-Danlos syndrome, arthrochalasia type. Also called: Ehlers-Danlos syndrome, arthrochalasia type, 1; ARTHROCHALASIS MULTIPLEX CONGENITA; EDS VII, MUTANT PROCOLLAGEN TYPE; EDS VIIA; Ehlers-Danlos syndrome, arthrochalasis type. Identifiers: Orphanet 1899, Orphanet 99875, Orphanet 99876, MedGen C4551623, MONDO:0007525, OMIM 130060.
Combined osteogenesis imperfecta and Ehlers-Danlos syndrome 1. Also called: OIEDS SYNDROME 1. Identifiers: MedGen C5436842, MONDO:0030854, OMIM 619115.
Infantile cortical hyperostosis. Also called: Hyperostosis, Cortical, Congenital; P1PK BLOOD GROUP SYSTEM, P(2) PHENOTYPE; Caffey Disease. Identifiers: Orphanet 1310, MedGen C0020497, MONDO:0007244, OMIM 114000.
Osteogenesis imperfecta with normal sclerae, dominant form (OI4). Also called: OSTEOGENESIS IMPERFECTA WITH NORMAL SCLERAE; Osteogenesis imperfecta type 4; OSTEOGENESIS IMPERFECTA, TYPE IV, WITH DENTINOGENESIS IMPERFECTA; Common Variable Osteogenesis Imperfecta with Normal Sclerae; Osteogenesis Imperfecta Type IV. Identifiers: Orphanet 216820, Orphanet 666, MedGen C0268363, MONDO:0008148, OMIM 166220.
Osteogenesis imperfecta type I (OI1). Also called: OI, TYPE I; OSTEOGENESIS IMPERFECTA TARDA; OSTEOGENESIS IMPERFECTA WITH BLUE SCLERAE; Osteogenesis imperfecta type 1; Classic Non-deforming Osteogenesis Imperfecta with Blue Sclerae; Lobstein's Disease. Identifiers: Orphanet 216796, Orphanet 666, MedGen C0023931, MONDO:0008146, OMIM 166200. Disease mechanism: loss of function.
COL1A1-related disorder. Also called: COL1A1-related condition; COL1A1- related disease.
Cardiovascular phenotype. Identifiers: MedGen CN230736.

Allele frequency attached by ClinVar (database versions not stated): gnomAD 0.00001; ExAC 0.00002; gnomAD exomes 0.00002 and 0.00003; TOPMed 0.00003.
gnomAD v4.1: 49 of 1,607,912 alleles (0.003%); highest among the groups gnomAD compares: South Asian, 0.017%; no homozygotes.

Submissions (7):

PreventionGenetics, part of Exact Sciences
Classification: Uncertain significance for COL1A1-related condition. Last evaluated: 2026-08-26. Review status: criteria provided, single submitter. Criteria: ACMG Guidelines, 2015. Collection method: clinical testing. Allele origin: germline.
Comment: The COL1A1 c.2602G>A variant is predicted to result in the amino acid substitution p.Ala868Thr. To our knowledge, this variant has not been reported in the literature. This variant is reported in 0.017% of alleles in individuals of South Asian descent in gnomAD. Although we suspect that this variant may be benign, at this time, the clinical significance of this variant is uncertain due to the absence of conclusive functional and genetic evidence.

Labcorp Genetics (formerly Invitae), Labcorp
Classification: Likely benign for Osteogenesis imperfecta type I. Last evaluated: 2025-11-14. Review status: criteria provided, single submitter. Criteria: Invitae Variant Classification Sherloc (09022015). Collection method: clinical testing. Allele origin: germline.

Ambry Genetics
Classification: Uncertain significance for Cardiovascular phenotype. Last evaluated: 2025-02-28. Review status: criteria provided, single submitter. Criteria: Ambry Variant Classification Scheme 2023. Collection method: clinical testing. Allele origin: germline.
Comment: The p.A868T variant (also known as c.2602G>A), located in coding exon 37 of the COL1A1 gene, results from a G to A substitution at nucleotide position 2602. The alanine at codon 868 is replaced by threonine, an amino acid with similar properties. This amino acid position is not well conserved in available vertebrate species. In addition, the in silico prediction for this alteration is inconclusive. Since supporting evidence is limited at this time, the clinical significance of this alteration remains unclear.

Women's Health and Genetics/Laboratory Corporation of America, LabCorp
Classification: Uncertain significance. Last evaluated: 2025-02-20. Review status: criteria provided, single submitter. Criteria: LabCorp Variant Classification Summary - May 2015. Collection method: clinical testing. Allele origin: germline.
Comment: Variant summary: COL1A1 c.2602G>A (p.Ala868Thr) results in a non-conservative amino acid change located in the Collagen triple helix repeat (20 copies) (IPR008160) of the encoded protein sequence. Three of five in-silico tools predict a benign effect of the variant on protein function. The variant allele was found at a frequency of 2.1e-05 in 237144 control chromosomes, predominantly at a frequency of 0.00017 within the South Asian subpopulation in the gnomAD database. The available data on variant occurrences in the general population are insufficient to allow any conclusion about variant significance. To our knowledge, no occurrence of c.2602G>A in individuals affected with Osteogenesis imperfecta type I and no experimental evidence demonstrating its impact on protein function have been reported. ClinVar contains an entry for this variant (Variation ID: 456752). Based on the evidence outlined above, the variant was classified as uncertain significance.

GeneDx
Classification: Uncertain significance. Last evaluated: 2023-02-02. Review status: criteria provided, single submitter. Criteria: GeneDx Variant Classification Process June 2021. Collection method: clinical testing. Allele origin: germline. Affected: yes.
Comment: Has not been previously published as pathogenic or benign to our knowledge; Not observed at significant frequency in large population cohorts (gnomAD); In silico analysis supports that this missense variant does not alter protein structure/function; Occurs in the triple helical domain at the Y position in the canonical Gly-X-Y repeat; although this variant may have an effect on normal protein folding and function, missense substitution at the Y position is not a common mechanism of disease (HGMD)

Fulgent Genetics
Classification: Uncertain significance for Infantile cortical hyperostosis; Ehlers-Danlos syndrome, arthrochalasia type; Osteogenesis imperfecta type I; Osteogenesis imperfecta, perinatal lethal; Osteogenesis imperfecta with normal sclerae, dominant form; Osteoporosis; Osteogenesis imperfecta type III; Combined osteogenesis imperfecta and Ehlers-Danlos syndrome 1. Last evaluated: 2021-07-21. Review status: criteria provided, single submitter. Criteria: ACMG Guidelines, 2015. Collection method: clinical testing. Allele origin: unknown.

Blueprint Genetics
Classification: Likely benign. Last evaluated: 2019-08-08. Review status: criteria provided, single submitter. Criteria: ACMG Guidelines, 2015. Collection method: clinical testing. Allele origin: germline.

NM_000088.4(COL1A1):c.2602G>A (p.Ala868Thr)

Gene: COL1A1 (collagen type I alpha 1 chain; minus strand). Cytogenetic location: 17q21.33.
Variant type: single nucleotide variant.
Coding change: c.2602G>A on transcript NM_000088.4 (MANE Select); coding-DNA position 2602, G replaced by A.
Protein change: p.Ala868Thr; replaces alanine 868 with threonine.
Molecular consequence: missense variant.
Genome position (GRCh38, 1-based): chr17:50,189,870, C>T on the plus strand (G>A on the coding strand, the complement: COL1A1 is on the minus strand). VCF-style: chr17-50189870-C-T. GRCh37 (hg19) VCF-style: chr17-48267231-C-T.
Other names: short protein forms A868T.
Identifiers: ClinVar variation 456752 (VCV000456752.15), dbSNP rs779846520, ClinGen allele CA8644745.